The following continues an entry in ClinVar:

NM_002693.3(POLG):c.2542G>A (p.Gly848Ser)

Gene: POLG. ClinVar aggregate classification (germline): Pathogenic. Pathogenic (35).

Submissions 11 to 22 of 44:

Daryl Scott Lab, Baylor College of Medicine
Classification: Pathogenic for POLG-related disorder. Last evaluated: 2023-11-10. Review status: criteria provided, single submitter. Criteria: ACMG Guidelines, 2015. Collection method: clinical testing. Allele origin: maternal.

Department of Genetics, Rouen University Hospital, Normandy Center for Genomic and Personalized Medicine
Classification: Pathogenic for Progressive sclerosing poliodystrophy. Last evaluated: 2023-05-26. Review status: criteria provided, single submitter. Criteria: ACMG Guidelines, 2015. Collection method: clinical testing. Allele origin: maternal. Affected: yes.

Women's Health and Genetics/Laboratory Corporation of America, LabCorp
Classification: Pathogenic for Mitochondrial DNA depletion syndrome. Last evaluated: 2023-04-11. Review status: criteria provided, single submitter. Criteria: LabCorp Variant Classification Summary - May 2015. Collection method: clinical testing. Allele origin: germline.
Comment: Variant summary: POLG c.2542G>A (p.Gly848Ser) results in a non-conservative amino acid change located in the DNA polymerase gamma, palm domain (IPR047580) of the encoded protein sequence. Five of five in-silico tools predict a damaging effect of the variant on protein function. The variant allele was found at a frequency of 0.00015 in 251408 control chromosomes. This frequency is not significantly higher than estimated for a pathogenic variant in POLG causing Mitochondrial DNA Depletion Syndrome (0.00015 vs 0.0035), allowing no conclusion about variant significance. c.2542G>A has been reported in the literature in compound heterozygous and homozygous individuals affected with Mitochondrial DNA Depletion Syndrome - POLG Related (e.g., Tang_2011). These data indicate that the variant is very likely to be associated with disease. At least one publication reports experimental evidence evaluating an impact on protein function, finding that the variant results in <1% of normal polymerase activity (e.g., Kasiviswanathan_2009). Multiple ClinVar submitters (evaluation after 2014) have cited the variant, and all laboratories classified the variant as pathogenic. Based on the evidence outlined above, the variant was classified as pathogenic.

Department of Pathology and Laboratory Medicine, Sinai Health System
Classification: Pathogenic for Sensory ataxic neuropathy, dysarthria, and ophthalmoparesis; Mitochondrial DNA depletion syndrome 4b; Progressive sclerosing poliodystrophy; Mitochondrial DNA depletion syndrome 1; Progressive external ophthalmoplegia with mitochondrial DNA deletions, autosomal recessive 1; Progressive external ophthalmoplegia with mitochondrial DNA deletions, autosomal dominant 1. Last evaluated: 2022-11-21. Review status: criteria provided, single submitter. Criteria: ACMG Guidelines, 2015. Collection method: research. Allele origin: germline.

Victorian Clinical Genetics Services, Murdoch Childrens Research Institute
Classification: Pathogenic for Mitochondrial disease. Last evaluated: 2022-09-02. Review status: criteria provided, single submitter. Criteria: ACMG Guidelines, 2015. Collection method: clinical testing. Allele origin: germline.
Comment: Based on the classification scheme VCGS_Germline_v1.3.4, this variant is classified as Pathogenic. Following criteria are met: 0102 - Loss of function is a known mechanism of disease in this gene and is associated with POLG-related mitochondrial disorders. (I) 0108 - This gene is associated with both recessive and dominant disease. Variants are usually inherited in a recessive manner, however progressive external ophthalmoplegia may also be dominant when heterozygous variants are located in the highly conserved active site of motif B of the polymerase domain (PMID: 30451971). (I) 0200 - Variant is predicted to result in a missense amino acid change from glycine to serine. (I) 0251 - This variant is heterozygous. (I) 0305 - Variant is present in gnomAD >=0.01 and <0.03 (48 heterozygotes, 0 homozygotes). (I) 0501 - Missense variant consistently predicted to be damaging by multiple in silico tools or highly conserved with a major amino acid change. (SP) 0600 - Variant is located in the DNA polymerase family A domain (DECIPHER). (I) 0801 - This variant has strong previous evidence of pathogenicity in greater than 10 unrelated individuals with unrelated individuals with POLG-related mitochondrial disorders (ClinVar, Human DNA POLG Mutation Database, PMID: 21880868, PMID: 28480171, PMID: 23448099, PMID: 15929042, LOVD). (SP) 1208 - Inheritance information for this variant is not currently available in this individual. (I) Legend: (SP) - Supporting pathogenic, (I) - Information, (SB) - Supporting benign

Dasa
Classification: Pathogenic for POLG-related disorder. Last evaluated: 2022-03-05. Review status: criteria provided, single submitter. Criteria: ACMG Guidelines, 2015. Collection method: clinical testing. Allele origin: germline. Affected: yes. Observed: 1 variant allele.
Comment: Well-established in vitro or in vivo functional studies supportive of a damaging effect on the gene or gene product (PMID:19478085; 17980715) - PS3_moderate.The c.2542G>A;p.(Gly848Ser) missense variant has been observed in affected individual(s) and ClinVar contains an entry for this variant (ClinVar ID: 13502; PMID: 17426723; PMID: 21880868; PMID: 18500570; PMID: 12872260; PMID: 22616202; PMID: 22006280; PMID: 22342071; PMID: 21670405; PMID: 22189570) - PS4. The variant is located in a mutational hot spot and/or critical and well-established functional domain (DNA_pol_A) - PM1. The variant is present at low allele frequencies population databases (rs113994098 – gnomAD 0.001697%; ABraOM 0.000854 frequency) - PM2_supporting. The p.(Gly848Ser) was detected in trans with a pathogenic variant (PMID:19478085) - PM3. Multiple lines of computational evidence support a deleterious effect on the gene or gene product - PP3. In summary, the currently available evidence indicates that the variant is pathogenic.

Revvity Omics, Revvity
Classification: Pathogenic. Last evaluated: 2022-02-15. Review status: criteria provided, single submitter. Criteria: ACMG Guidelines, 2015. Collection method: clinical testing. Allele origin: germline.

Centre of Medical Genetics, University Hospital Muenster
Classification: Pathogenic for Progressive sclerosing poliodystrophy; Mitochondrial DNA depletion syndrome 4b; Progressive external ophthalmoplegia with mitochondrial DNA deletions, autosomal recessive 1; Progressive external ophthalmoplegia with mitochondrial DNA deletions, autosomal dominant 1. Last evaluated: 2022-01-20. Review status: criteria provided, single submitter. Criteria: ACMG Guidelines, 2015. Collection method: clinical testing. Allele origin: germline. Affected: yes. Observed: 1 variant allele, 1 heterozygote.
Comment: ACMG categories: PS3,PM1,PM2,PP3,PP5,BP1

Institute for Clinical Genetics, University Hospital TU Dresden, University Hospital TU Dresden
Classification: Pathogenic. Last evaluated: 2021-11-03. Review status: criteria provided, single submitter. Criteria: ACMG Guidelines, 2015. Collection method: clinical testing. Allele origin: germline.

Athena Diagnostics
Classification: Pathogenic. Last evaluated: 2021-04-30. Review status: criteria provided, single submitter. Criteria: Athena Diagnostics criteria. Collection method: clinical testing. Allele origin: unknown.
Comment: The frequency of this variant in the general population is consistent with pathogenicity. This variant segregates with disease in multiple families. Assessment of experimental evidence suggests this variant results in abnormal protein function. Experiments demonstrate a loss of >99% of polymerase activity and 5-fold reduction in DNA binding affinity (PMID: 19478085, 21228000). In multiple individuals, this variant has been seen with a single recessive pathogenic variant in the same gene, suggesting this variant may also be pathogenic. Computational tools predict that this variant is damaging.

Genetics and Molecular Pathology, SA Pathology
Classification: Pathogenic for Progressive external ophthalmoplegia with mitochondrial DNA deletions, autosomal dominant 1. Last evaluated: 2021-04-17. Review status: criteria provided, single submitter. Criteria: ACMG Guidelines, 2015. Collection method: clinical testing. Allele origin: germline. Affected: yes.
Comment: The POLG c.2542G>A variant is classified as Pathogenic (PS3, PS4, PP1, PP3) The POLG c.2542G>A variant is a single nucleotide change in exon 16 of the POLG gene, which is predicted to change the amino acid glycine at position 848 in the protein to serine. The variant has been reported in probands with a clinical presentation of progressive external ophthalmoplegia (PS4). Multiple cases reported in literature: 23 entries in ClinVAR ( all P/LP) This variant co-segregates with disease (PP1). PP1:This variant is co-segregated with Mitochondrial DNA depletion syndrome 4A (Alpers type) in multiple affected family members. PP4:Patient's phenotype or family history is highly specific for POLG. Well-established functional studies show a deleterious effect of this variant (PS3). Lamantea et al. (2002) note that the Gly848 residue is highly conserved, and functional studies by Kasiviswanathan et al. (2009) indicate that the p.Gly848Ser variant significantly impairs POLG activity and DNA binding affinity. Computational predictions support a deleterious effect on the gene or gene product (PP3). The variant has been reported in dbSNP (rs113994098) and has been reported as Pathogenic/Likely pathogenic by other diagnostic laboratories (ClinVar Variation ID: 13502).

Institute of Medical Genetics and Applied Genomics, University Hospital Tübingen
Classification: Pathogenic. Last evaluated: 2020-10-23. Review status: criteria provided, single submitter. Criteria: ACMG Guidelines, 2015. Collection method: clinical testing. Allele origin: germline. Inheritance: Unknown mechanism. Affected: yes.